The following is an entry in ClinVar:

ClinVar aggregate classification (germline): Conflicting classifications of pathogenicity. Review status: criteria provided, conflicting classifications (1 of 4 stars). 4 submissions from 4 submitters: Uncertain significance (1); Benign (1); Likely benign (1). 1 of the submissions does not count toward it. Last evaluated 2026-01-14.

Conditions:
NOTCH2-related disorder. Also called: NOTCH2-related condition.
Hajdu-Cheney syndrome (HJCYS). Also called: ACROOSTEOLYSIS WITH OSTEOPOROSIS AND CHANGES IN SKULL AND MANDIBLE; SERPENTINE FIBULA-POLYCYSTIC KIDNEY SYNDROME; Acroosteolysis dominant type. Identifiers: Orphanet 955, MedGen C0917715, MONDO:0007057, OMIM 102500.

Allele frequency attached by ClinVar (database versions not stated): gnomAD exomes 0.00005; 1000 Genomes Project 0.00040; 1000 Genomes Project 30x 0.00047; ESP Exome Variant Server 0.00062; gnomAD 0.00074; TOPMed 0.00086.
gnomAD v4.1: 188 of 1,614,074 alleles (0.012%); highest among the groups gnomAD compares: African/African-American, 0.21%; 3 homozygotes.

Submissions (4):

Labcorp Genetics (formerly Invitae), Labcorp
Classification: Benign for Hajdu-Cheney syndrome. Last evaluated: 2026-01-14. Review status: criteria provided, single submitter. Criteria: Invitae Variant Classification Sherloc (09022015). Collection method: clinical testing. Allele origin: germline.

Blueprint Genetics
Classification: Likely benign. Last evaluated: 2024-10-07. Review status: criteria provided, single submitter. Criteria: ACMG Guidelines, 2015. Collection method: clinical testing. Allele origin: germline.

Eurofins Ntd Llc (ga)
Classification: Uncertain significance. Last evaluated: 2017-10-05. Review status: criteria provided, single submitter. Criteria: EGL Classification Definitions 2015. Collection method: clinical testing. Allele origin: germline. Observed: 2 variant alleles, 2 heterozygotes.

PreventionGenetics, part of Exact Sciences
Classification: Likely benign for NOTCH2-related condition. Last evaluated: 2020-02-20. Review status: no assertion criteria provided. Collection method: clinical testing. Allele origin: germline. Not counted in ClinVar's aggregate classification.
Comment: This variant is classified as likely benign based on ACMG/AMP sequence variant interpretation guidelines (Richards et al. 2015 PMID: 25741868, with internal and published modifications).

NM_024408.4(NOTCH2):c.5074A>G (p.Ile1692Val)

Gene: NOTCH2 (notch receptor 2; minus strand). Cytogenetic location: 1p12.
Variant type: single nucleotide variant.
Coding change: c.5074A>G on transcript NM_024408.4 (MANE Select); coding-DNA position 5074, A replaced by G.
Protein change: p.Ile1692Val; replaces isoleucine 1692 with valine.
Molecular consequence: missense variant.
Genome position (GRCh38, 1-based): chr1:119,922,375, T>C on the plus strand (A>G on the coding strand, the complement: NOTCH2 is on the minus strand). VCF-style: chr1-119922375-T-C. GRCh37 (hg19) VCF-style: chr1-120464998-T-C.
Other names: short protein forms I1692V.
Identifiers: ClinVar variation 594392 (VCV000594392.19), dbSNP rs143134864, ClinGen allele CA1039723.
Genomic context (GRCh38, chr1:119,922,375, plus strand): 5'-GCAGCCAGAGAGAGCCATGCTTACGCTTTCGTTTTGCCATGATTACCCCCAGCAGAATAA[T>C]AAACAGAATGATGACAACAGCAACAGCAAGGAGATAGAGGAGCTGAGTGCGTTCTGGAGT-3'
Protein context (NP_077719.2, residues 1682-1702): LAVAVVIILF[Ile1692Val]ILLGVIMAKR